The following is an entry in ClinVar:

NM_005984.5(SLC25A1):c.548dup (p.Leu184fs)

Gene: SLC25A1 (solute carrier family 25 member 1; minus strand). Cytogenetic location: 22q11.21.
Variant type: Duplication.
Coding change: c.548dup on transcript NM_005984.5 (MANE Select); coding-DNA position 548, one base duplicated (G; older notation c.548dupG).
Protein change: p.Leu184fs; shifts the reading frame from leucine 184.
Molecular consequence: frameshift variant. On other transcripts: non-coding transcript variant (1).
Genome position (GRCh38, 1-based): chr22:19,176,929, C duplicated on the plus strand (G on the coding strand, the reverse complement: SLC25A1 is on the minus strand); the first of 3 consecutive C bases (chr22:19,176,929-19,176,931); duplicating any one gives the same sequence. VCF-style (leftmost placement, unchanged base first): chr22-19176928-G-GC. GRCh37 (hg19) VCF-style: chr22-19164441-G-GC.
Other names: c.569dup, p.Leu191fs (NM_001256534.2); c.239dup, p.Leu81fs (NM_001287387.2); short protein forms L184fs, L191fs, L81fs.
Identifiers: ClinVar variation 4532370 (VCV004532370.1).
Genomic context (GRCh38, chr22:19,176,928, plus strand): 5'-GGTCATGACGAAGAAGCGGATGGCCTGGTTCGAGCCCTGCTTCAGGACAGTGGCTGTGAG[G>GC]CCCTGGTACGTCCCCTTCAGCCCTGCGGGAAGGCAGGCACGGGGTTACCCTGCAGCCTCT-3'

ClinVar aggregate classification (germline): Likely pathogenic (1 of 4 stars; one submission).

Submission:

GeneDx
Classification: Likely pathogenic. Last evaluated: 2025-05-30. Review status: criteria provided, single submitter. Criteria: GeneDx Variant Classification Process June 2021. Collection method: clinical testing. Allele origin: germline. Affected: yes.
Comment: Frameshift variant predicted to result in protein truncation or nonsense mediated decay in a gene for which loss of function is a known mechanism of disease; Not observed at significant frequency in large population cohorts (gnomAD); Has not been previously published as pathogenic or benign to our knowledge